The following is an entry in ClinVar:

NM_147127.5(EVC2):c.520-1G>A

Gene: EVC2 (EvC ciliary complex subunit 2; minus strand). Cytogenetic location: 4p16.2.
Variant type: single nucleotide variant.
Coding change: c.520-1G>A on transcript NM_147127.5 (MANE Select); the canonical splice acceptor site of the intron before coding-DNA position 520, G replaced by A.
Molecular consequence: splice acceptor variant.
Genome position (GRCh38, 1-based): chr4:5,689,344, C>T on the plus strand (G>A on the coding strand, the complement: EVC2 is on the minus strand). VCF-style: chr4-5689344-C-T. GRCh37 (hg19) VCF-style: chr4-5691071-C-T.
Other names: c.280-1G>A (NM_001166136.2).
Identifiers: ClinVar variation 5003348 (VCV005003348.1).
Genomic context (GRCh38, chr4:5,689,344, plus strand): 5'-CTTGGTGTTGTTAACAAGCAGCCATATGCGGGCTGTCTGTGCTTCACTCGACCCAGACAC[C>T]TAGGGCAGAAGGAGAAGGCATGAGGGCAGATTTGCTGACAAGTCCAGCTTCCTAAAATGG-3'

ClinVar aggregate classification (germline): Pathogenic (1 of 4 stars; one submission).

Conditions:
Ellis-van Creveld syndrome (EVC). Also called: Chondroectodermal dysplasia; MESOECTODERMAL DYSPLASIA. Identifiers: Orphanet 289, MedGen C0013903, MONDO:0009162, OMIM 225500.

gnomAD v4.1: 1 of 1,614,026 alleles (0.000062%); highest among the groups gnomAD compares: Non-Finnish European, 0.000085%; no homozygotes.

Submission:

Myriad Genetics, Inc.
Classification: Pathogenic for Ellis-van Creveld syndrome. Last evaluated: 2025-10-17. Review status: criteria provided, single submitter. Criteria: Myriad Autosomal Dominant, Autosomal Recessive and X-Linked Classification Criteria (2023). Collection method: clinical testing. Allele origin: unknown.
Comment: NM_147127.4(EVC2):c.520-1G>A is a variant in a canonical splice site classified as pathogenic in the context of EVC2-related Ellis-van Creveld syndrome. c.520-1G>A has not been observed in cases with relevant disease. Relevant functional assessments of this variant are not available in the literature. c.520-1G>A has not been observed in referenced population frequency databases. In summary, NM_147127.4(EVC2):c.520-1G>A is a variant in a canonical splice site in a gene where loss of function is a known mechanism of disease and is predicted to disrupt protein function. Please note: this variant was assessed in the context of healthy population screening.